The following is an entry in ClinVar:

NM_001114753.3(ENG):c.1087T>A (p.Cys363Ser)

Gene: ENG (endoglin; minus strand). Cytogenetic location: 9q34.11.
Variant type: single nucleotide variant.
Coding change: c.1087T>A on transcript NM_001114753.3 (MANE Select); coding-DNA position 1087, T replaced by A.
Protein change: p.Cys363Ser; replaces cysteine 363 with serine.
Molecular consequence: missense variant.
Genome position (GRCh38, 1-based): chr9:127,824,351, A>T on the plus strand (T>A on the coding strand, the complement: ENG is on the minus strand). VCF-style: chr9-127824351-A-T. GRCh37 (hg19) VCF-style: chr9-130586630-A-T.
Other names: c.1087T>A, p.Cys363Ser (NM_000118.4, NM_001406715.1); c.541T>A, p.Cys181Ser (NM_001278138.2); short protein forms C363S, C181S.
Identifiers: ClinVar variation 4614082 (VCV004614082.1).
Genomic context (GRCh38, chr9:127,824,351, plus strand): 5'-GGAGTTCCCTTACCGCAACAAGCTCTTTCTTTAGTACCAGGGTCATGGCGTCGTCGGCAC[A>T]CTTTGTCTGGATCAAGGACATGAGCAGCTCCGGGCTACAAGTGTCCTTGGGAGGAGTGGT-3'
Protein context (NP_001108225.1, residues 353-373): ELLMSLIQTK[Cys363Ser]ADDAMTLVLK

ClinVar aggregate classification (germline): Pathogenic (1 of 4 stars; one submission).

Conditions:
Cardiovascular phenotype. Identifiers: MedGen CN230736.

Submission:

Ambry Genetics
Classification: Pathogenic for Cardiovascular phenotype. Last evaluated: 2025-11-24. Review status: criteria provided, single submitter. Criteria: Ambry Variant Classification Scheme 2023. Collection method: clinical testing. Allele origin: germline.
Comment: The p.C363S pathogenic mutation (also known as c.1087T>A), located in coding exon 8 of the ENG gene, results from a T to A substitution at nucleotide position 1087. The cysteine at codon 363 is replaced by serine, an amino acid with dissimilar properties. This variant was reported in individual(s) with features consistent with hereditary hemorrhagic telangiectasia (Bossler AD et al. Hum Mutat, 2006 Jul;27:667-75; Gedge F et al. J Mol Diagn, 2007 Apr;9:258-65; Komiyama M et al. J Hum Genet, 2014 Jan;59:37-41; Kitayama K et al. BMC Med Genomics, 2021 Dec;14:288). Based on internal structural analysis, this variant is anticipated to result in a significant decrease in structural stability. This amino acid position is highly conserved in available vertebrate species. In addition, this alteration is predicted to be deleterious by in silico analysis. This variant is considered to be rare based on population cohorts in the Genome Aggregation Database (gnomAD). Based on the supporting evidence, this variant is interpreted as a disease-causing mutation.

Literature cited by the submitters: PubMed 16752392; PubMed 17384219; PubMed 22991266; PubMed 24196379; PubMed 34872578.